The following is an entry in ClinVar:

NM_015340.4(LARS2):c.1053T>A (p.Leu351=)

Genes: LARS2 (leucyl-tRNA synthetase 2, mitochondrial; plus strand), LARS2-AS1 (LARS2 antisense RNA 1; minus strand). Cytogenetic location: 3p21.31.
Variant type: single nucleotide variant.
Coding change: c.1053T>A on transcript NM_015340.4 (MANE Select); coding-DNA position 1053, T replaced by A.
Protein change: p.Leu351=; no amino-acid change (leucine 351 retained).
Molecular consequence: synonymous variant.
Genome position (GRCh38, 1-based): chr3:45,485,726, T>A. VCF-style: chr3-45485726-T-A. GRCh37 (hg19) VCF-style: chr3-45527218-T-A.
Other names: c.1053T>A, p.Leu351= (NM_001368263.1).
Identifiers: ClinVar variation 517084 (VCV000517084.1), dbSNP rs7610357, ClinGen allele CA433433282.

ClinVar aggregate classification (germline): Likely benign (1 of 4 stars; one submission).

Submission:

GeneDx
Classification: Likely benign. Last evaluated: 2017-05-11. Review status: criteria provided, single submitter. Criteria: GeneDx Variant Classification (06012015). Collection method: clinical testing. Allele origin: germline. Affected: yes.
Comment: This variant is considered likely benign or benign based on one or more of the following criteria: it is a conservative change, it occurs at a poorly conserved position in the protein, it is predicted to be benign by multiple in silico algorithms, and/or has population frequency not consistent with disease.